The following is an entry in ClinVar:

ClinVar aggregate classification (germline): Uncertain significance (1 of 4 stars; one submission).

Allele frequency attached by ClinVar (database versions not stated): gnomAD exomes below 0.00001.
gnomAD v4.1: 1 of 1,614,208 alleles (0.000062%); highest among the groups gnomAD compares: Admixed American, 0.0017%; no homozygotes.

Submission:

Labcorp Genetics (formerly Invitae), Labcorp
Classification: Uncertain significance. Last evaluated: 2022-06-03. Review status: criteria provided, single submitter. Criteria: Invitae Variant Classification Sherloc (09022015). Collection method: clinical testing. Allele origin: germline.
Comment: This sequence change replaces aspartic acid, which is acidic and polar, with glutamic acid, which is acidic and polar, at codon 512 of the RCBTB1 protein (p.Asp512Glu). This variant is present in population databases (no rsID available, gnomAD 0.003%). This variant has not been reported in the literature in individuals affected with RCBTB1-related conditions. Algorithms developed to predict the effect of missense changes on protein structure and function are either unavailable or do not agree on the potential impact of this missense change (SIFT: "Deleterious"; PolyPhen-2: "Benign"; Align-GVGD: "Class C0"). In summary, the available evidence is currently insufficient to determine the role of this variant in disease. Therefore, it has been classified as a Variant of Uncertain Significance.

NM_018191.4(RCBTB1):c.1536T>A (p.Asp512Glu)

Gene: RCBTB1 (RCC1 and BTB domain containing protein 1; minus strand). Cytogenetic location: 13q14.2.
Variant type: single nucleotide variant.
Coding change: c.1536T>A on transcript NM_018191.4 (MANE Select); coding-DNA position 1536, T replaced by A.
Protein change: p.Asp512Glu; replaces aspartic acid 512 with glutamic acid.
Molecular consequence: missense variant. On other transcripts: non-coding transcript variant (2).
Genome position (GRCh38, 1-based): chr13:49,534,182, A>T on the plus strand (T>A on the coding strand, the complement: RCBTB1 is on the minus strand). VCF-style: chr13-49534182-A-T. GRCh37 (hg19) VCF-style: chr13-50108318-A-T.
Other names: c.1536T>A, p.Asp512Glu (NM_001352500.2, NM_001352501.2, NM_001352502.2 and 1 more transcripts); c.957T>A, p.Asp319Glu (NM_001352506.2); short protein forms D512E, D319E.
Identifiers: ClinVar variation 1969682 (VCV001969682.2), dbSNP rs1316129402, ClinGen allele CA388185062.